The following is an entry in ClinVar:

ClinVar aggregate classification (germline): Conflicting classifications of pathogenicity. Review status: criteria provided, conflicting classifications (1 of 4 stars). 2 submissions from 2 submitters: Uncertain significance (1); Likely benign (1). Last evaluated 2023-11-09.

Conditions:
Intellectual disability, autosomal recessive 53 (NEDHSCA). Also called: GLYCOSYLPHOSPHATIDYLINOSITOL BIOSYNTHESIS DEFECT 13; Mental retardation, autosomal recessive 53; NEURODEVELOPMENTAL DISORDER WITH OR WITHOUT HYPOTONIA, SEIZURES, AND CEREBELLAR ATROPHY. Identifiers: Orphanet 488635, MedGen C4310794, MONDO:0014832, OMIM 616917.
Inborn genetic diseases. Identifiers: MedGen C0950123, MeSH D030342.

Allele frequency attached by ClinVar (database versions not stated): gnomAD exomes 0.00001 and 0.00003; TOPMed 0.00001; gnomAD 0.00003.
gnomAD v4.1: 44 of 1,613,066 alleles (0.0027%); highest among the groups gnomAD compares: Non-Finnish European, 0.0034%; no homozygotes.

Submissions (2):

Ambry Genetics
Classification: Likely benign for Inborn genetic diseases. Last evaluated: 2023-11-09. Review status: criteria provided, single submitter. Criteria: Ambry Variant Classification Scheme 2023. Collection method: clinical testing. Allele origin: germline.

Labcorp Genetics (formerly Invitae), Labcorp
Classification: Uncertain significance for Intellectual disability, autosomal recessive 53. Last evaluated: 2022-06-27. Review status: criteria provided, single submitter. Criteria: Invitae Variant Classification Sherloc (09022015). Collection method: clinical testing. Allele origin: germline.
Comment: This sequence change replaces valine, which is neutral and non-polar, with isoleucine, which is neutral and non-polar, at codon 936 of the PIGG protein (p.Val936Ile). This variant is present in population databases (no rsID available, gnomAD 0.002%). This variant has not been reported in the literature in individuals affected with PIGG-related conditions. Algorithms developed to predict the effect of missense changes on protein structure and function output the following: SIFT: "Tolerated"; PolyPhen-2: "Benign"; Align-GVGD: "Class C0". The isoleucine amino acid residue is found in multiple mammalian species, which suggests that this missense change does not adversely affect protein function. In summary, the available evidence is currently insufficient to determine the role of this variant in disease. Therefore, it has been classified as a Variant of Uncertain Significance.

NM_001127178.3(PIGG):c.2806G>A (p.Val936Ile)

Gene: PIGG (phosphatidylinositol glycan anchor biosynthesis class G (EMM blood group); plus strand). Cytogenetic location: 4p16.3.
Variant type: single nucleotide variant.
Coding change: c.2806G>A on transcript NM_001127178.3 (MANE Select); coding-DNA position 2806, G replaced by A.
Protein change: p.Val936Ile; replaces valine 936 with isoleucine.
Molecular consequence: missense variant. On other transcripts: non-coding transcript variant (10).
Genome position (GRCh38, 1-based): chr4:539,223, G>A. VCF-style: chr4-539223-G-A. GRCh37 (hg19) VCF-style: chr4-533012-G-A.
Other names: c.2539G>A, p.Val847Ile (NM_001289051.2, NM_001345986.2); c.2407G>A, p.Val803Ile (NM_001289052.2); c.2515G>A, p.Val839Ile (NM_001345987.2); c.1777G>A, p.Val593Ile (NM_001345988.2); c.1273G>A, p.Val425Ile (NM_001345990.2, NM_001345991.2); c.1708G>A, p.Val570Ile (NM_001345994.2); c.2782G>A, p.Val928Ile (NM_017733.5); c.2806G>A (NM_001127178.1); short protein forms V847I, V928I, V570I, V803I, V839I, V936I, V425I, V593I.
Identifiers: ClinVar variation 1405035 (VCV001405035.6), dbSNP rs921678414, ClinGen allele CA91081668.